The following is an entry in ClinVar:

NM_182972.3(IRF2BP2):c.413C>T (p.Pro138Leu)

Genes: IRF2BP2 (interferon regulatory factor 2 binding protein 2; minus strand), LOC129932812 (ATAC-STARR-seq lymphoblastoid silent region 1977; plus strand). Cytogenetic location: 1q42.3.
Variant type: single nucleotide variant.
Coding change: c.413C>T on transcript NM_182972.3 (MANE Select); coding-DNA position 413, C replaced by T.
Protein change: p.Pro138Leu; replaces proline 138 with leucine.
Molecular consequence: missense variant.
Genome position (GRCh38, 1-based): chr1:234,609,082, G>A on the plus strand (C>T on the coding strand, the complement: IRF2BP2 is on the minus strand). VCF-style: chr1-234609082-G-A. GRCh37 (hg19) VCF-style: chr1-234744828-G-A.
Other names: c.413C>T, p.Pro138Leu (NM_001077397.1); short protein forms P138L.
Identifiers: ClinVar variation 1961495 (VCV001961495.5), dbSNP rs1289749053, ClinGen allele CA345310525.
Genomic context (GRCh38, chr1:234,609,082, plus strand): 5'-ACCAGGATGCCGTTCACGGGCGGCGGCTGCGGCGTCGGCGGCTGGGCCAGGCTCGCTGCC[G>A]GGCGGCTGCTGCCGAAGTCAGAGCCGAGGCGCGGGGGCCTCTCGGCCGCGGCCGCCAACG-3'
Protein context (NP_892017.2, residues 128-148): RLGSDFGSSR[Pro138Leu]AASLAQPPTP

ClinVar aggregate classification (germline): Uncertain significance (1 of 4 stars; one submission).

Allele frequency attached by ClinVar (database versions not stated): TOPMed below 0.00001; gnomAD 0.00001.
gnomAD v4.1: 3 of 1,247,034 alleles (0.00024%); highest among the groups gnomAD compares: African/African-American, 0.0016%; no homozygotes.

Submission:

Labcorp Genetics (formerly Invitae), Labcorp
Classification: Uncertain significance. Last evaluated: 2022-05-12. Review status: criteria provided, single submitter. Criteria: Invitae Variant Classification Sherloc (09022015). Collection method: clinical testing. Allele origin: germline.
Comment: In summary, the available evidence is currently insufficient to determine the role of this variant in disease. Therefore, it has been classified as a Variant of Uncertain Significance. Algorithms developed to predict the effect of missense changes on protein structure and function (SIFT, PolyPhen-2, Align-GVGD) all suggest that this variant is likely to be tolerated. This variant has not been reported in the literature in individuals affected with IRF2BP2-related conditions. This variant is not present in population databases (gnomAD no frequency). This sequence change replaces proline, which is neutral and non-polar, with leucine, which is neutral and non-polar, at codon 138 of the IRF2BP2 protein (p.Pro138Leu).